The following is an entry in ClinVar:

NM_022041.4(GAN):c.*211C>T

Gene: GAN (gigaxonin; plus strand). Cytogenetic location: 16q23.2.
Variant type: single nucleotide variant.
Coding change: c.*211C>T on transcript NM_022041.4 (MANE Select); 211 bases downstream of the stop codon, C replaced by T.
Molecular consequence: 3 prime UTR variant.
Genome position (GRCh38, 1-based): chr16:81,377,807, C>T. VCF-style: chr16-81377807-C-T. GRCh37 (hg19) VCF-style: chr16-81411412-C-T.
Other names: c.*211C>T (NM_001377486.1).
Identifiers: ClinVar variation 887115 (VCV000887115.5), dbSNP rs566082565, ClinGen allele CA285125377.

ClinVar aggregate classification (germline): Likely benign. Review status: criteria provided, multiple submitters, no conflicts (2 of 4 stars). 2 submissions from 2 submitters: Likely benign (2). Last evaluated 2018-01-13.

Conditions:
Giant axonal neuropathy 1 (GAN1). Also called: GAN-Related Neurodegeneration; GIANT AXONAL NEUROPATHY 1, AUTOSOMAL RECESSIVE. Identifiers: Orphanet 643, MedGen C1850386, MONDO:0009749, OMIM 256850.

Allele frequency attached by ClinVar (database versions not stated): gnomAD exomes 0.00018; gnomAD 0.00179 and 0.00192; TOPMed 0.00193; 1000 Genomes Project 30x 0.00219; 1000 Genomes Project 0.00240.

Submissions (2):

Illumina Laboratory Services, Illumina
Classification: Likely benign for Giant axonal neuropathy 1. Last evaluated: 2018-01-13. Review status: criteria provided, single submitter. Criteria: ICSL Variant Classification Criteria 13 December 2019. Collection method: clinical testing. Allele origin: germline.
Comment: This variant was observed in the ICSL laboratory as part of a predisposition screen in an ostensibly healthy population. It had not been previously curated by ICSL or reported in the Human Gene Mutation Database (HGMD: prior to June 1st, 2018), and was therefore a candidate for classification through an automated scoring system. Utilizing variant allele frequency, disease prevalence and penetrance estimates, and inheritance mode, an automated score was calculated to assess if this variant is too frequent to cause the disease. Based on the score and internal cut-off values, a variant classified as likely benign is not then subjected to further curation. The score for this variant resulted in a classification of likely benign for this disease.

Breakthrough Genomics
Classification: Likely benign. Review status: criteria provided, single submitter. Criteria: ACMG Guidelines, 2015. Collection method: not provided. Allele origin: germline. Inheritance: Autosomal recessive inheritance. Affected: yes.